The following is an entry in ClinVar:

ClinVar aggregate classification (germline): Uncertain significance (1 of 4 stars; one submission).

Conditions:
Fanconi anemia (FA). Also called: Fanconi's anemia. Identifiers: Orphanet 84, MedGen C0015625, MeSH D005199, MONDO:0019391.

Allele frequency attached by ClinVar (database versions not stated): gnomAD exomes below 0.00001 and 0.00001; gnomAD 0.00001.
gnomAD v4.1: 3 of 1,612,780 alleles (0.00019%); highest among the groups gnomAD compares: East Asian, 0.0067%; no homozygotes.

Submission:

Labcorp Genetics (formerly Invitae), Labcorp
Classification: Uncertain significance for Fanconi anemia. Last evaluated: 2025-12-16. Review status: criteria provided, single submitter. Criteria: Invitae Variant Classification Sherloc (09022015). Collection method: clinical testing. Allele origin: germline.
Comment: This sequence change replaces phenylalanine, which is neutral and non-polar, with leucine, which is neutral and non-polar, at codon 341 of the FANCM protein (p.Phe341Leu). This variant is present in population databases (no rsID available, gnomAD 0.02%). This variant has not been reported in the literature in individuals affected with FANCM-related conditions. ClinVar contains an entry for this variant (Variation ID: 1355387). An algorithm developed to predict the effect of missense changes on protein structure and function (PolyPhen-2) suggests that this variant is likely to be tolerated. In summary, the available evidence is currently insufficient to determine the role of this variant in disease. Therefore, it has been classified as a Variant of Uncertain Significance.

NM_020937.4(FANCM):c.1021T>C (p.Phe341Leu)

Gene: FANCM (FA complementation group M; plus strand). Cytogenetic location: 14q21.2.
Variant type: single nucleotide variant.
Coding change: c.1021T>C on transcript NM_020937.4 (MANE Select); coding-DNA position 1021, T replaced by C.
Protein change: p.Phe341Leu; replaces phenylalanine 341 with leucine.
Molecular consequence: missense variant.
Genome position (GRCh38, 1-based): chr14:45,151,499, T>C. VCF-style: chr14-45151499-T-C. GRCh37 (hg19) VCF-style: chr14-45620702-T-C.
Other names: c.943T>C, p.Phe315Leu (NM_001308133.2); c.1021T>C, p.Phe341Leu (NM_001308134.2); short protein forms F341L, F315L.
Identifiers: ClinVar variation 1355387 (VCV001355387.6), dbSNP rs1282418362, ClinGen allele CA389590694.